The following is an entry in ClinVar:

NM_004700.4(KCNQ4):c.*7T>C

Gene: KCNQ4 (potassium voltage-gated channel subfamily Q member 4; plus strand). Cytogenetic location: 1p34.2.
Variant type: single nucleotide variant.
Coding change: c.*7T>C on transcript NM_004700.4 (MANE Select); 7 bases downstream of the stop codon, T replaced by C.
Molecular consequence: 3 prime UTR variant.
Genome position (GRCh38, 1-based): chr1:40,838,530, T>C. VCF-style: chr1-40838530-T-C. GRCh37 (hg19) VCF-style: chr1-41304202-T-C.
Other names: c.*7T>C (NM_172163.3).
Identifiers: ClinVar variation 228768 (VCV000228768.5), dbSNP rs537008263, ClinGen allele CA795075.

ClinVar aggregate classification (germline): Conflicting classifications of pathogenicity. Review status: criteria provided, conflicting classifications (1 of 4 stars). 2 submissions from 2 submitters: Uncertain significance (1); Likely benign (1). Last evaluated 2026-02-12.

Conditions:
KCNQ4-related disorder. Also called: KCNQ4-related condition.

Allele frequency attached by ClinVar (database versions not stated): gnomAD exomes 0.00003 and 0.00008; ExAC 0.00007; TOPMed 0.00028; 1000 Genomes Project 30x 0.00031; gnomAD 0.00033 and 0.00035; 1000 Genomes Project 0.00040.
gnomAD v4.1: 92 of 1,613,550 alleles (0.0057%); highest among the groups gnomAD compares: African/African-American, 0.12%; no homozygotes.

Submissions (2):

PreventionGenetics, part of Exact Sciences
Classification: Likely benign for KCNQ4-related condition. Last evaluated: 2026-02-12. Review status: criteria provided, single submitter. Criteria: ACMG Guidelines, 2015. Collection method: clinical testing. Allele origin: germline.
Comment: This variant is classified as likely benign based on ACMG/AMP sequence variant interpretation guidelines (Richards et al. 2015 PMID: 25741868, with internal and published modifications).

Laboratory for Molecular Medicine, Mass General Brigham Personalized Medicine
Classification: Uncertain significance. Last evaluated: 2015-05-15. Review status: criteria provided, single submitter. Criteria: LMM Criteria. Collection method: clinical testing. Allele origin: germline. Observed: 1 variant allele.
Comment: The c.*7T>C variant in KCNQ4 has not been previously reported in individuals wit h hearing loss, but has been identified in 9/10338 African chromosomes by the Ex ome Aggregation Consortium (ExAC; dbSNP rs537008 263). Although this variant has been seen in the general population, its freque ncy is not high enough to rule out a pathogenic role. This variant occurs in the 3' untranslated region (3' UTR) and does not affect the coding sequence of the gene. Although this region can contain elements that regulate mRNA, there is no obvious predicted effect of this variant. In summary, the clinical significance of the c.*7T>C variant is uncertain.